The following is an entry in ClinVar:

ClinVar aggregate classification (germline): Uncertain significance. Review status: criteria provided, multiple submitters, no conflicts (2 of 4 stars). 2 submissions from 2 submitters: Uncertain significance (2). Last evaluated 2025-08-01.

Conditions:
Inborn genetic diseases. Identifiers: MedGen C0950123, MeSH D030342.
DNAH9-related disorder. Also called: DNAH9-related condition.

Allele frequency attached by ClinVar (database versions not stated): ExAC 0.00002; gnomAD 0.00002; gnomAD exomes 0.00002; ESP Exome Variant Server 0.00008.
gnomAD v4.1: 39 of 1,614,078 alleles (0.0024%); highest among the groups gnomAD compares: South Asian, 0.0088%; no homozygotes.

Submissions (2):

Ambry Genetics
Classification: Uncertain significance for Inborn genetic diseases. Last evaluated: 2025-08-01. Review status: criteria provided, single submitter. Criteria: Ambry Variant Classification Scheme 2023. Collection method: clinical testing. Allele origin: germline.

PreventionGenetics, part of Exact Sciences
Classification: Uncertain significance for DNAH9-related condition. Last evaluated: 2024-12-14. Review status: criteria provided, single submitter. Criteria: ACMG Guidelines, 2015. Collection method: clinical testing. Allele origin: germline.
Comment: The DNAH9 c.7375C>T variant is predicted to result in the amino acid substitution p.Arg2459Cys. To our knowledge, this variant has not been reported in the literature. This variant is reported in 0.016% of alleles in individuals of South Asian descent in gnomAD. At this time, the clinical significance of this variant is uncertain due to the absence of conclusive functional and genetic evidence.

NM_001372.4(DNAH9):c.7375C>T (p.Arg2459Cys)

Gene: DNAH9 (dynein axonemal heavy chain 9; plus strand). Cytogenetic location: 17p12.
Variant type: single nucleotide variant.
Coding change: c.7375C>T on transcript NM_001372.4 (MANE Select); coding-DNA position 7375, C replaced by T.
Protein change: p.Arg2459Cys; replaces arginine 2459 with cysteine.
Molecular consequence: missense variant.
Genome position (GRCh38, 1-based): chr17:11,769,152, C>T. VCF-style: chr17-11769152-C-T. GRCh37 (hg19) VCF-style: chr17-11672469-C-T.
Other names: short protein forms R2459C.
Identifiers: ClinVar variation 2399171 (VCV002399171.4), dbSNP rs375205297, ClinGen allele CA8396614.